The following is an entry in ClinVar:

ClinVar aggregate classification (germline): Pathogenic/Likely pathogenic. Review status: criteria provided, multiple submitters, no conflicts (2 of 4 stars). 3 submissions from 3 submitters: Pathogenic (1); Likely pathogenic (1). 1 of the submissions does not count toward it. Last evaluated 2023-11-25.

Conditions:
Spastic paraplegia. Identifiers: MedGen C0037772, HP:0001258.
Charlevoix-Saguenay spastic ataxia (SACS). Also called: AUTOSOMAL RECESSIVE SPASTIC ATAXIA OF CHARLEVOIX-SAGUENAY; SPASTIC ATAXIA 6, AUTOSOMAL RECESSIVE; Spastic ataxia of Charlevoix-Saguenay. Identifiers: Orphanet 98, MedGen C1849140, MONDO:0010041, OMIM 270550.

Submissions (3):

Labcorp Genetics (formerly Invitae), Labcorp
Classification: Pathogenic for Spastic paraplegia. Last evaluated: 2023-11-25. Review status: criteria provided, single submitter. Criteria: Invitae Variant Classification Sherloc (09022015). Collection method: clinical testing. Allele origin: germline.
Comment: This sequence change creates a premature translational stop signal (p.Phe1793Leufs*21) in the SACS gene. While this is not anticipated to result in nonsense mediated decay, it is expected to disrupt the last 2787 amino acid(s) of the SACS protein. This variant is not present in population databases (gnomAD no frequency). This variant has not been reported in the literature in individuals affected with SACS-related conditions. ClinVar contains an entry for this variant (Variation ID: 371470). This variant disrupts a region of the SACS protein in which other variant(s) (p.Asn4549Asp) have been determined to be pathogenic (PMID: 15156359, 21507954). This suggests that this is a clinically significant region of the protein, and that variants that disrupt it are likely to be disease-causing. For these reasons, this variant has been classified as Pathogenic.

Baylor Genetics
Classification: Likely pathogenic for Charlevoix-Saguenay spastic ataxia. Last evaluated: 2023-05-10. Review status: criteria provided, single submitter. Criteria: ACMG Guidelines, 2015. Collection method: clinical testing. Allele origin: unknown.

Counsyl
Classification: Likely pathogenic for Charlevoix-Saguenay spastic ataxia. Last evaluated: 2016-09-30. Review status: no assertion criteria provided. Collection method: clinical testing. Allele origin: unknown. Not counted in ClinVar's aggregate classification.

Literature cited by the submitters: PubMed 15156359 (cited by Labcorp Genetics (formerly Invitae), Labcorp); PubMed 21507954 (cited by Labcorp Genetics (formerly Invitae), Labcorp).

NM_014363.6(SACS):c.5379del (p.Phe1793fs)

Gene: SACS (sacsin molecular chaperone; minus strand). Cytogenetic location: 13q12.12.
Variant type: Deletion.
Coding change: c.5379del on transcript NM_014363.6 (MANE Select); coding-DNA position 5379, one base deleted (T; older notation c.5379delT).
Protein change: p.Phe1793fs; shifts the reading frame from phenylalanine 1793.
Molecular consequence: frameshift variant.
Genome position (GRCh38, 1-based): chr13:23,338,497, A deleted on the plus strand (T on the coding strand, the reverse complement: SACS is on the minus strand); the first of 3 consecutive A bases (chr13:23,338,497-23,338,499); deleting any one gives the same sequence. VCF-style (leftmost placement, unchanged base first): chr13-23338496-CA-C. GRCh37 (hg19) VCF-style: chr13-23912635-CA-C.
Other names: c.4938del, p.Phe1646fs (NM_001278055.2); short protein forms F1793fs, F1646fs.
Identifiers: ClinVar variation 371470 (VCV000371470.7), dbSNP rs1057517297, ClinGen allele CA16041632.